The following is an entry in ClinVar:

ClinVar aggregate classification (germline): Conflicting classifications of pathogenicity. Review status: criteria provided, conflicting classifications (1 of 4 stars). 4 submissions from 4 submitters: Uncertain significance (3); Likely benign (1). Last evaluated 2024-11-15.

Conditions:
Inborn genetic diseases. Identifiers: MedGen C0950123, MeSH D030342.
Nemaline myopathy 2 (NEM2). Also called: Nemaline myopathy 2, autosomal recessive. Identifiers: MedGen C1850569, MONDO:0009725, OMIM 256030.

Allele frequency attached by ClinVar (database versions not stated): gnomAD 0.00001; TOPMed 0.00001; gnomAD exomes 0.00002; ExAC 0.00003.
gnomAD v4.1: 23 of 1,600,838 alleles (0.0014%); highest among the groups gnomAD compares: Admixed American, 0.0034%; no homozygotes.

Submissions (4):

GeneDx
Classification: Uncertain significance. Last evaluated: 2024-11-15. Review status: criteria provided, single submitter. Criteria: GeneDx Variant Classification Process June 2021. Collection method: clinical testing. Allele origin: germline. Affected: yes.
Comment: Not observed at significant frequency in large population cohorts (gnomAD); In silico analysis indicates that this missense variant does not alter protein structure/function; Has not been previously published as pathogenic or benign to our knowledge

Ambry Genetics
Classification: Uncertain significance for Inborn genetic diseases. Last evaluated: 2024-08-04. Review status: criteria provided, single submitter. Criteria: Ambry Variant Classification Scheme 2023. Collection method: clinical testing. Allele origin: germline.

Labcorp Genetics (formerly Invitae), Labcorp
Classification: Likely benign for Nemaline myopathy 2. Last evaluated: 2024-02-08. Review status: criteria provided, single submitter. Criteria: Invitae Variant Classification Sherloc (09022015). Collection method: clinical testing. Allele origin: germline.

CeGaT Center for Human Genetics Tuebingen
Classification: Uncertain significance. Last evaluated: 2023-08-01. Review status: criteria provided, single submitter. Criteria: CeGaT Center For Human Genetics Tuebingen Variant Classification Criteria Version 2. Collection method: clinical testing. Allele origin: germline. Affected: yes. Observed: 1 variant allele.
Comment: NEB: PM2

NM_001164508.2(NEB):c.24872C>T (p.Thr8291Met)

Genes: NEB (nebulin; minus strand), RIF1 (replication timing regulatory factor 1; plus strand). Cytogenetic location: 2q23.3.
Variant type: single nucleotide variant.
Coding change: c.24872C>T on transcript NM_001164508.2 (MANE Select); coding-DNA position 24872, C replaced by T.
Protein change: p.Thr8291Met; replaces threonine 8291 with methionine.
Molecular consequence: missense variant.
Genome position (GRCh38, 1-based): chr2:151,492,388, G>A on the plus strand (C>T on the coding strand, the complement: NEB is on the minus strand). VCF-style: chr2-151492388-G-A. GRCh37 (hg19) VCF-style: chr2-152348902-G-A.
Other names: c.24977C>T, p.Thr8326Met (NM_001271208.2); c.19304C>T, p.Thr6435Met (NM_004543.5); c.24872C>T, p.Thr8291Met (NM_001164507.2); c.19304C>T (NM_004543.4); short protein forms T6435M, T8291M, T8326M.
Identifiers: ClinVar variation 2081248 (VCV002081248.30), dbSNP rs577350705, ClinGen allele CA1905891.